The following is an entry in ClinVar:

NM_016239.4(MYO15A):c.5506del (p.Leu1836fs)

Gene: MYO15A (myosin XVA; plus strand). Cytogenetic location: 17p11.2.
Variant type: Deletion.
Coding change: c.5506del on transcript NM_016239.4 (MANE Select); coding-DNA position 5506, one base deleted (C; older notation c.5506delC).
Protein change: p.Leu1836fs; shifts the reading frame from leucine 1836.
Molecular consequence: frameshift variant.
Genome position (GRCh38, 1-based): chr17:18,141,118, C deleted; the last of 2 consecutive C bases (chr17:18,141,117-18,141,118); deleting either gives the same sequence. VCF-style (leftmost placement, unchanged base first): chr17-18141116-GC-G. GRCh37 (hg19) VCF-style: chr17-18044430-GC-G.
Other names: c.5506del (NM_016239.3); short protein forms L1836fs.
Identifiers: ClinVar variation 3017177 (VCV003017177.4), dbSNP rs769016969, ClinGen allele CA288403723.

ClinVar aggregate classification (germline): Pathogenic. Review status: criteria provided, multiple submitters, no conflicts (2 of 4 stars). 2 submissions from 2 submitters: Pathogenic (2). Last evaluated 2024-12-20.

Submissions (2):

GeneDx
Classification: Pathogenic. Last evaluated: 2024-12-20. Review status: criteria provided, single submitter. Criteria: GeneDx Variant Classification Process June 2021. Collection method: clinical testing. Allele origin: germline. Affected: yes.
Comment: Frameshift variant predicted to result in protein truncation or nonsense mediated decay in a gene for which loss of function is a known mechanism of disease; Not observed at significant frequency in large population cohorts (gnomAD); Has not been previously published as pathogenic or benign to our knowledge

Labcorp Genetics (formerly Invitae), Labcorp
Classification: Pathogenic. Last evaluated: 2023-09-17. Review status: criteria provided, single submitter. Criteria: Invitae Variant Classification Sherloc (09022015). Collection method: clinical testing. Allele origin: germline.
Comment: For these reasons, this variant has been classified as Pathogenic. This variant has not been reported in the literature in individuals affected with MYO15A-related conditions. This variant is present in population databases (rs769016969, gnomAD 0.002%). This sequence change creates a premature translational stop signal (p.Leu1836Cysfs*13) in the MYO15A gene. It is expected to result in an absent or disrupted protein product. Loss-of-function variants in MYO15A are known to be pathogenic (PMID: 17546645).

Literature cited by the submitters: PubMed 17546645 (cited by Labcorp Genetics (formerly Invitae), Labcorp).